The following is an entry in ClinVar:

ClinVar aggregate classification (germline): Uncertain significance (1 of 4 stars; one submission).

Conditions:
Ehlers-Danlos syndrome, classic type, 1 (EDSCL1). Also called: EHLERS-DANLOS SYNDROME, GRAVIS TYPE; EHLERS-DANLOS SYNDROME, SEVERE CLASSIC TYPE; Ehlers-Danlos syndrome, type 1; EDS I; Ehlers-Danlos Syndrome, Classic Type, COL5A1-Related. Identifiers: MedGen C0268335, MONDO:0019567, OMIM 130000.

Submission:

Labcorp Genetics (formerly Invitae), Labcorp
Classification: Uncertain significance for Ehlers-Danlos syndrome, classic type, 1. Last evaluated: 2022-05-30. Review status: criteria provided, single submitter. Criteria: Invitae Variant Classification Sherloc (09022015). Collection method: clinical testing. Allele origin: germline.
Comment: In summary, the available evidence is currently insufficient to determine the role of this variant in disease. Therefore, it has been classified as a Variant of Uncertain Significance. Experimental studies and prediction algorithms are not available or were not evaluated, and the functional significance of this variant is currently unknown. This variant has not been reported in the literature in individuals affected with COL5A1-related conditions. This variant is not present in population databases (gnomAD no frequency). This variant, c.5009_5011dup, results in the insertion of 1 amino acid(s) of the COL5A1 protein (p.Tyr1670dup), but otherwise preserves the integrity of the reading frame.

NM_000093.5(COL5A1):c.5009_5011dup (p.Tyr1670_Cys1671insTyr)

Genes: COL5A1 (collagen type V alpha 1 chain; plus strand), LOC101448202 (uncharacterized LOC101448202; minus strand). Cytogenetic location: 9q34.3.
Variant type: Duplication.
Coding change: c.5009_5011dup on transcript NM_000093.5 (MANE Select); coding-DNA positions 5009 to 5011, 3 bases duplicated (ACT; older notation c.5009_5011dupACT).
Protein change: p.Tyr1670_Cys1671insTyr.
Molecular consequence: inframe insertion.
Genome position (GRCh38, 1-based): chr9:134,825,846-134,825,848, ACT duplicated; duplicating any 3 consecutive bases within chr9:134,825,845-134,825,848 gives the same sequence; the c. name uses the placement nearest the transcript's 3' end. VCF-style (leftmost placement, unchanged base first): chr9-134825844-T-TTAC. GRCh37 (hg19) VCF-style: chr9-137717690-T-TTAC.
Other names: c.5009_5011dup, p.Tyr1670_Cys1671insTyr (NM_001278074.1).
Identifiers: ClinVar variation 2001268 (VCV002001268.4), dbSNP rs2490886450, ClinGen allele CA2580080043.